The following is an entry in ClinVar:

NM_024306.5(FA2H):c.970C>T (p.His324Tyr)

Gene: FA2H (fatty acid 2-hydroxylase; minus strand). Cytogenetic location: 16q23.1.
Variant type: single nucleotide variant.
Coding change: c.970C>T on transcript NM_024306.5 (MANE Select); coding-DNA position 970, C replaced by T.
Protein change: p.His324Tyr; replaces histidine 324 with tyrosine.
Molecular consequence: missense variant.
Genome position (GRCh38, 1-based): chr16:74,716,416, G>A on the plus strand (C>T on the coding strand, the complement: FA2H is on the minus strand). VCF-style: chr16-74716416-G-A. GRCh37 (hg19) VCF-style: chr16-74750314-G-A.
Other names: short protein forms H324Y.
Identifiers: ClinVar variation 2145801 (VCV002145801.1), dbSNP rs530329233, ClinGen allele CA8170340.

ClinVar aggregate classification (germline): Uncertain significance (1 of 4 stars; one submission).

Conditions:
Spastic paraplegia. Identifiers: MedGen C0037772, HP:0001258.

Allele frequency attached by ClinVar (database versions not stated): ExAC 0.00001; gnomAD exomes 0.00001; gnomAD 0.00002; 1000 Genomes Project 30x 0.00016; 1000 Genomes Project 0.00020.
gnomAD v4.1: 15 of 1,614,046 alleles (0.00093%); highest among the groups gnomAD compares: African/African-American, 0.0067%; no homozygotes.

Submission:

Labcorp Genetics (formerly Invitae), Labcorp
Classification: Uncertain significance for Spastic paraplegia. Last evaluated: 2022-08-09. Review status: criteria provided, single submitter. Criteria: Invitae Variant Classification Sherloc (09022015). Collection method: clinical testing. Allele origin: germline.
Comment: This sequence change replaces histidine, which is basic and polar, with tyrosine, which is neutral and polar, at codon 324 of the FA2H protein (p.His324Tyr). The frequency data for this variant in the population databases is considered unreliable, as metrics indicate poor data quality at this position in the gnomAD database. This variant has not been reported in the literature in individuals affected with FA2H-related conditions. Advanced modeling of protein sequence and biophysical properties (such as structural, functional, and spatial information, amino acid conservation, physicochemical variation, residue mobility, and thermodynamic stability) performed at Invitae indicates that this missense variant is not expected to disrupt FA2H protein function. In summary, the available evidence is currently insufficient to determine the role of this variant in disease. Therefore, it has been classified as a Variant of Uncertain Significance.